The following is an entry in ClinVar:

NM_024537.4(CARS2):c.10A>G (p.Thr4Ala)

Genes: CARS2 (cysteinyl-tRNA synthetase 2, mitochondrial; minus strand), LOC130010127 (ATAC-STARR-seq lymphoblastoid silent region 5509; plus strand). Cytogenetic location: 13q34.
Variant type: single nucleotide variant.
Coding change: c.10A>G on transcript NM_024537.4 (MANE Select); coding-DNA position 10, A replaced by G.
Protein change: p.Thr4Ala; replaces threonine 4 with alanine.
Molecular consequence: missense variant. On other transcripts: non-coding transcript variant (1), intron variant (1).
Genome position (GRCh38, 1-based): chr13:110,706,084, T>C on the plus strand (A>G on the coding strand, the complement: CARS2 is on the minus strand). VCF-style: chr13-110706084-T-C. GRCh37 (hg19) VCF-style: chr13-111358431-T-C.
Other names: c.10A>G, p.Thr4Ala (NM_001352253.3); c.-776+287A>G (NM_001352252.2); short protein forms T4A.
Identifiers: ClinVar variation 1024556 (VCV001024556.6), dbSNP rs1037184355, ClinGen allele CA256331158.
Genomic context (GRCh38, chr13:110,706,084, plus strand): 5'-CCCGCCCAAGGCCCAGCGCGGCCTGGAGCAGCGGGGGGCCCAGGCCTGGGCCGCGCGTAG[T>C]CCTCAACATGTCAGCGGCCAGCGCCTACGACTGGGCGGAGACGGGAGCCACGCCGGGTAC-3'
Protein context (NP_078813.1, residues 1-14): MLR[Thr4Ala]TRGPGLGPPL

ClinVar aggregate classification (germline): Uncertain significance (1 of 4 stars; one submission).

Conditions:
Combined oxidative phosphorylation defect type 27. Also called: Combined oxidative phosphorylation deficiency 27. Identifiers: Orphanet 477774, MedGen C5567608, MONDO:0014728, OMIM 616672.

Allele frequency attached by ClinVar (database versions not stated): TOPMed 0.00001.
gnomAD v4.1: 26 of 1,320,456 alleles (0.002%); highest among the groups gnomAD compares: Non-Finnish European, 0.0023%; no homozygotes.

Submission:

Labcorp Genetics (formerly Invitae), Labcorp
Classification: Uncertain significance for Combined oxidative phosphorylation defect type 27. Last evaluated: 2021-08-26. Review status: criteria provided, single submitter. Criteria: Invitae Variant Classification Sherloc (09022015). Collection method: clinical testing. Allele origin: germline.
Comment: This sequence change replaces threonine with alanine at codon 4 of the CARS2 protein (p.Thr4Ala). The threonine residue is weakly conserved and there is a small physicochemical difference between threonine and alanine. The frequency data for this variant in the population databases is considered unreliable, as metrics indicate insufficient coverage at this position in the ExAC database. This variant has not been reported in the literature in individuals affected with CARS2-related conditions. In summary, the available evidence is currently insufficient to determine the role of this variant in disease. Therefore, it has been classified as a Variant of Uncertain Significance.